The following is an entry in ClinVar:

NM_001291303.3(FAT4):c.8852A>G (p.His2951Arg)

Gene: FAT4 (FAT atypical cadherin 4; plus strand). Cytogenetic location: 4q28.1.
Variant type: single nucleotide variant.
Coding change: c.8852A>G on transcript NM_001291303.3 (MANE Select); coding-DNA position 8852, A replaced by G.
Protein change: p.His2951Arg; replaces histidine 2951 with arginine.
Molecular consequence: missense variant.
Genome position (GRCh38, 1-based): chr4:125,449,862, A>G. VCF-style: chr4-125449862-A-G. GRCh37 (hg19) VCF-style: chr4-126371017-A-G.
Other names: c.8852A>G, p.His2951Arg (NM_001291285.3); c.8846A>G, p.His2949Arg (NM_024582.6); short protein forms H2951R, H2949R.
Identifiers: ClinVar variation 1958412 (VCV001958412.5), dbSNP rs199726050, ClinGen allele CA104881504.

ClinVar aggregate classification (germline): Uncertain significance (1 of 4 stars; one submission).

Allele frequency attached by ClinVar (database versions not stated): TOPMed below 0.00001.
gnomAD v4.1: 3 of 1,613,960 alleles (0.00019%); highest among the groups gnomAD compares: Non-Finnish European, 0.00025%; no homozygotes.

Submission:

Labcorp Genetics (formerly Invitae), Labcorp
Classification: Uncertain significance. Last evaluated: 2022-08-08. Review status: criteria provided, single submitter. Criteria: Invitae Variant Classification Sherloc (09022015). Collection method: clinical testing. Allele origin: germline.
Comment: In summary, the available evidence is currently insufficient to determine the role of this variant in disease. Therefore, it has been classified as a Variant of Uncertain Significance. Advanced modeling of protein sequence and biophysical properties (such as structural, functional, and spatial information, amino acid conservation, physicochemical variation, residue mobility, and thermodynamic stability) performed at Invitae indicates that this missense variant is not expected to disrupt FAT4 protein function. This variant has not been reported in the literature in individuals affected with FAT4-related conditions. This variant is not present in population databases (gnomAD no frequency). This sequence change replaces histidine, which is basic and polar, with arginine, which is basic and polar, at codon 2949 of the FAT4 protein (p.His2949Arg).